The following is an entry in ClinVar:

NM_015102.5(NPHP4):c.517+7G>A

Gene: NPHP4 (nephrocystin 4; minus strand). Cytogenetic location: 1p36.31.
Variant type: single nucleotide variant.
Coding change: c.517+7G>A on transcript NM_015102.5 (MANE Select); 7 bases into the intron after coding-DNA position 517, G replaced by A.
Molecular consequence: intron variant.
Genome position (GRCh38, 1-based): chr1:5,967,292, C>T on the plus strand (G>A on the coding strand, the complement: NPHP4 is on the minus strand). VCF-style: chr1-5967292-C-T. GRCh37 (hg19) VCF-style: chr1-6027352-C-T.
Other names: c.-850+7G>A (NM_001291594.2); c.-713+7G>A (NM_001291593.2).
Identifiers: ClinVar variation 4989582 (VCV004989582.1).

ClinVar aggregate classification (germline): Likely benign (1 of 4 stars; one submission).

Conditions:
NPHP4-related disorder. Also called: NPHP4-related disorders; NPHP4-related condition. Identifiers: MedGen CN239384.

Submission:

PreventionGenetics, part of Exact Sciences
Classification: Likely benign for NPHP4-related condition. Last evaluated: 2024-12-26. Review status: criteria provided, single submitter. Criteria: ACMG Guidelines, 2015. Collection method: clinical testing. Allele origin: germline.
Comment: This variant is classified as likely benign based on ACMG/AMP sequence variant interpretation guidelines (Richards et al. 2015 PMID: 25741868, with internal and published modifications).